The following is an entry in ClinVar:

ClinVar aggregate classification (germline): Pathogenic (1 of 4 stars; one submission).

Conditions:
Duchenne muscular dystrophy (DMD). Also called: Duchenne Muscular Dystrophy (DMD); MUSCULAR DYSTROPHY, PSEUDOHYPERTROPHIC PROGRESSIVE, DUCHENNE TYPE. Identifiers: Orphanet 98896, MedGen C0013264, MONDO:0010679, OMIM 310200.

Submission:

Labcorp Genetics (formerly Invitae), Labcorp
Classification: Pathogenic for Duchenne muscular dystrophy. Last evaluated: 2022-07-06. Review status: criteria provided, single submitter. Criteria: Invitae Variant Classification Sherloc (09022015). Collection method: clinical testing. Allele origin: germline.
Comment: This variant is a gross deletion of the genomic region encompassing exon(s) 1-7 of the DMD gene, which includes the initiator codon. This deletion extends beyond the assayed region for this gene and therefore may encompass additional genes. It is expected to result in an absent or disrupted protein product. Loss-of-function variants in DMD are known to be pathogenic (PMID: 16770791, 25007885). A similar copy number variant has been observed in individual(s) with Duchene muscular dystrophy (PMID: 15723292). For these reasons, this variant has been classified as Pathogenic.

Literature cited by the submitters: PubMed 16770791; PubMed 25007885; PubMed 15723292.

NC_000023.10:g.(?_32827590)_(33229429_?)del

Gene: DMD (dystrophin; minus strand). Cytogenetic location: Xp21.1.
Variant type: Deletion.
Identifiers: ClinVar variation 2424878 (VCV002424878.4).